The following is an entry in ClinVar:

NM_025215.6(PUS1):c.137G>A (p.Arg46Gln)

Genes: PUS1 (pseudouridine synthase 1; plus strand), LOC130009240 (ATAC-STARR-seq lymphoblastoid silent region 5107; plus strand). Cytogenetic location: 12q24.33.
Variant type: single nucleotide variant.
Coding change: c.137G>A on transcript NM_025215.6 (MANE Select); coding-DNA position 137, G replaced by A.
Protein change: p.Arg46Gln; replaces arginine 46 with glutamine.
Molecular consequence: missense variant.
Genome position (GRCh38, 1-based): chr12:131,929,969, G>A. VCF-style: chr12-131929969-G-A. GRCh37 (hg19) VCF-style: chr12-132414514-G-A.
Other names: c.53G>A, p.Arg18Gln (NM_001002019.3, NM_001002020.3); c.137G>A (NM_025215.5); short protein forms R18Q, R46Q.
Identifiers: ClinVar variation 1980797 (VCV001980797.2), dbSNP rs752709725, ClinGen allele CA6884008.

ClinVar aggregate classification (germline): Uncertain significance. Review status: criteria provided, multiple submitters, no conflicts (2 of 4 stars). 2 submissions from 2 submitters: Uncertain significance (2). Last evaluated 2025-08-02.

Conditions:
Inborn genetic diseases. Identifiers: MedGen C0950123, MeSH D030342.

gnomAD v4.1: 2 of 1,516,504 alleles (0.00013%); highest among the groups gnomAD compares: South Asian, 0.0012%; no homozygotes.

Submissions (2):

Ambry Genetics
Classification: Uncertain significance for Inborn genetic diseases. Last evaluated: 2025-08-02. Review status: criteria provided, single submitter. Criteria: Ambry Variant Classification Scheme 2023. Collection method: clinical testing. Allele origin: germline.

Labcorp Genetics (formerly Invitae), Labcorp
Classification: Uncertain significance. Last evaluated: 2022-07-23. Review status: criteria provided, single submitter. Criteria: Invitae Variant Classification Sherloc (09022015). Collection method: clinical testing. Allele origin: germline.
Comment: This sequence change replaces arginine, which is basic and polar, with glutamine, which is neutral and polar, at codon 46 of the PUS1 protein (p.Arg46Gln). The frequency data for this variant in the population databases is considered unreliable, as metrics indicate poor data quality at this position in the gnomAD database. This variant has not been reported in the literature in individuals affected with PUS1-related conditions. Algorithms developed to predict the effect of missense changes on protein structure and function (SIFT, PolyPhen-2, Align-GVGD) all suggest that this variant is likely to be tolerated. In summary, the available evidence is currently insufficient to determine the role of this variant in disease. Therefore, it has been classified as a Variant of Uncertain Significance.